The following is an entry in ClinVar:

ClinVar aggregate classification (germline): Pathogenic. Review status: reviewed by expert panel (3 of 4 stars). 3 submissions from 3 submitters: Pathogenic (1). 2 of the submissions do not count toward it. Last evaluated 2016-09-08.

Conditions:
Familial cancer of breast. Also called: hereditary breast carcinoma; BREAST CANCER, FAMILIAL; Hereditary breast cancer. Identifiers: Orphanet 227535, MedGen C0346153, MONDO:0016419, OMIM 114480. Disease mechanism: loss of function.
Breast-ovarian cancer, familial, susceptibility to, 2 (BROVCA2). Also called: BRCA2 Hereditary Breast and Ovarian Cancer. Identifiers: Orphanet 145, MedGen C2675520, MONDO:0012933, OMIM 612555. Disease mechanism: loss of function.
Wilms tumor 1 (WT1). Also called: Wilms tumor, somatic. Identifiers: Orphanet 654, MedGen CN033288, MONDO:0008679, OMIM 194070.
Pancreatic cancer, susceptibility to, 2. Identifiers: Orphanet 1333, MedGen C3150546, MONDO:0013235, OMIM 613347.
Glioma susceptibility 3 (GLM3). Also called: Glioblastoma 3. Identifiers: Orphanet 182067, Orphanet 360, MedGen C2751641, MONDO:0013093, OMIM 613029.
Familial prostate cancer. Also called: Hereditary Prostate Cancer. Identifiers: MedGen C2931456, MONDO:0700275, OMIM 176807.
Fanconi anemia complementation group D1. Also called: BRCA2-Related Fanconi Anemia. Identifiers: Orphanet 319462, MedGen C1838457, MONDO:0011584, OMIM 605724.
Medulloblastoma (MDB). Also called: Medulloblastoma, somatic; MEDULLOBLASTOMA PREDISPOSITION SYNDROME. Identifiers: Orphanet 616, MedGen C0025149, MeSH D008527, MONDO:0007959, OMIM 155255, HP:0002885.
Hereditary breast ovarian cancer syndrome. Also called: Hereditary breast and ovarian cancer syndrome; Hereditary breast and ovarian cancer syndrome (HBOC); Breast and ovarian cancer; BRCA1- and BRCA2-Associated Hereditary Breast and Ovarian Cancer; Hereditary breast and/or ovarian cancer syndrome; Hereditary breast and ovarian cancer. Identifiers: Orphanet 145, MedGen C0677776, MeSH D061325, MONDO:0003582. Disease mechanism: loss of function.

Submissions (3):

Evidence-based Network for the Interpretation of Germline Mutant Alleles (ENIGMA)
Classification: Pathogenic for Breast-ovarian cancer, familial, susceptibility to, 2. Last evaluated: 2016-09-08. Review status: reviewed by expert panel. Criteria: ENIGMA BRCA1/2 Classification Criteria (2015). Collection method: curation. Allele origin: germline.
Comment: Variant allele predicted to encode a truncated non-functional protein.

Women's Health and Genetics/Laboratory Corporation of America, LabCorp
Classification: Pathogenic for Hereditary breast ovarian cancer syndrome. Last evaluated: 2023-01-01. Review status: criteria provided, single submitter. Criteria: LabCorp Variant Classification Summary - May 2015. Collection method: clinical testing. Allele origin: germline. Not counted in ClinVar's aggregate classification.
Comment: Variant summary: BRCA2 c.6623delA (p.Asn2208IlefsX2) results in a premature termination codon, predicted to cause a truncation of the encoded protein or absence of the protein due to nonsense mediated decay, which are commonly known mechanisms for disease. Truncations downstream of this position have been classified as pathogenic by our laboratory. The variant was absent in 245076 control chromosomes (gnomAD). c.6623delA has been reported in the literature in individuals affected with Breast/Ovarian Cancer (e.g. van Harssel_2010, Seymour_2016, Sun_2017). These data indicate that the variant is likely to be associated with disease. To our knowledge, no experimental evidence demonstrating an impact on protein function has been reported. One ClinVar submitter (expert panel: ENIGMA) has classified the variant since 2014: the variant was classified as pathogenic. Based on the evidence outlined above, the variant was classified as pathogenic.

Juno Genomics, Hangzhou Juno Genomics, Inc
Classification: Pathogenic for Familial cancer of breast; Breast-ovarian cancer, familial, susceptibility to, 2; Glioma susceptibility 3; Medulloblastoma; Pancreatic cancer, susceptibility to, 2; Familial prostate cancer; Fanconi anemia complementation group D1; Wilms tumor 1. Review status: criteria provided, single submitter. Criteria: ACMG Guidelines, 2015. Collection method: clinical testing. Allele origin: germline. Not counted in ClinVar's aggregate classification.
Comment: Absent from controls (or at extremely low frequency if recessive) in Genome Aggregation Database.;Null variant in a gene where loss of function (LOF) is a known mechanism of disease.;Novel missense change at an amino acid residue where a different missense change determined to be pathogenic has been seen before.

Literature cited by the submitters: PubMed 19949876 (cited by Women's Health and Genetics/Laboratory Corporation of America, LabCorp); PubMed 26915939 (cited by Women's Health and Genetics/Laboratory Corporation of America, LabCorp); PubMed 28724667 (cited by Women's Health and Genetics/Laboratory Corporation of America, LabCorp); PubMed 29483665 (cited by Women's Health and Genetics/Laboratory Corporation of America, LabCorp).

NM_000059.4(BRCA2):c.6623del (p.Asn2208fs)

Gene: BRCA2 (BRCA2 DNA repair associated; plus strand). Cytogenetic location: 13q13.1.
Variant type: Deletion.
Coding change: c.6623del on transcript NM_000059.4 (MANE Select); coding-DNA position 6623, one base deleted (A; older notation c.6623delA).
Protein change: p.Asn2208fs; shifts the reading frame from asparagine 2208.
Molecular consequence: frameshift variant.
Genome position (GRCh38, 1-based): chr13:32,340,978, A deleted; the last of 3 consecutive A bases (chr13:32,340,976-32,340,978); deleting any one gives the same sequence. VCF-style (leftmost placement, unchanged base first): chr13-32340975-CA-C. GRCh37 (hg19) VCF-style: chr13-32915112-CA-C.
Other names: c.6623delA (NM_000059.3); short protein forms N2208fs.
Identifiers: ClinVar variation 254585 (VCV000254585.7), dbSNP rs886038150, ClinGen allele CA10586560.